The following is an entry in ClinVar:

ClinVar aggregate classification (germline): Likely benign (1 of 4 stars; one submission).

Allele frequency attached by ClinVar (database versions not stated): gnomAD exomes below 0.00001.
gnomAD v4.1: 1 of 1,613,932 alleles (0.000062%); highest among the groups gnomAD compares: Admixed American, 0.0017%; no homozygotes.

Submission:

CeGaT Center for Human Genetics Tuebingen
Classification: Likely benign. Last evaluated: 2023-11-01. Review status: criteria provided, single submitter. Criteria: CeGaT Center For Human Genetics Tuebingen Variant Classification Criteria Version 2. Collection method: clinical testing. Allele origin: germline. Affected: yes. Observed: 1 variant allele.
Comment: EXOC4: BP4

NM_021807.4(EXOC4):c.1613A>G (p.Asn538Ser)

Genes: EXOC4 (exocyst complex component 4; plus strand), LOC101928861 (uncharacterized LOC101928861; minus strand). Cytogenetic location: 7q33.
Variant type: single nucleotide variant.
Coding change: c.1613A>G on transcript NM_021807.4 (MANE Select); coding-DNA position 1613, A replaced by G.
Protein change: p.Asn538Ser; replaces asparagine 538 with serine.
Molecular consequence: missense variant.
Genome position (GRCh38, 1-based): chr7:133,817,423, A>G. VCF-style: chr7-133817423-A-G. GRCh37 (hg19) VCF-style: chr7-133502176-A-G.
Other names: short protein forms N538S.
Identifiers: ClinVar variation 2673130 (VCV002673130.23), dbSNP rs1461392422, ClinGen allele CA369470364.